The following is an entry in ClinVar:

NM_001267550.2(TTN):c.99409_99419del (p.Phe33137fs)

Genes: TTN (titin; minus strand), TTN-AS1 (TTN antisense RNA 1; plus strand). Cytogenetic location: 2q31.2.
Variant type: Deletion.
Coding change: c.99409_99419del on transcript NM_001267550.2 (MANE Select); coding-DNA positions 99409 to 99419, 11 bases deleted (TTTGGTAAAGA).
Protein change: p.Phe33137fs; shifts the reading frame from phenylalanine 33137.
Molecular consequence: frameshift variant.
Genome position (GRCh38, 1-based): chr2:178,537,788-178,537,798, TCTTTACCAAA deleted on the plus strand (TTTGGTAAAGA on the coding strand, the reverse complement: TTN is on the minus strand); deleting any 11 consecutive bases within chr2:178,537,788-178,537,801 gives the same sequence; the c. name uses the placement nearest the transcript's 3' end. VCF-style (leftmost placement, unchanged base first): chr2-178537787-CTCTTTACCAAA-C. GRCh37 (hg19) VCF-style: chr2-179402514-CTCTTTACCAAA-C.
Other names: c.94486_94496del, p.Phe31496fs (NM_001256850.1); c.72214_72224del, p.Phe24072fs (NM_003319.4); c.91705_91715del, p.Phe30569fs (NM_133378.4); c.72589_72599del, p.Phe24197fs (NM_133432.3); c.72790_72800del, p.Phe24264fs (NM_133437.4); short protein forms F24197fs, F33137fs, F24072fs, F24264fs, F30569fs, F31496fs.
Identifiers: ClinVar variation 4786565 (VCV004786565.1).

ClinVar aggregate classification (germline): Likely pathogenic (1 of 4 stars; one submission).

Conditions:
Autosomal recessive limb-girdle muscular dystrophy type 2J (LGMDR10). Also called: Limb-girdle muscular dystrophy, type 2J; MUSCULAR DYSTROPHY, LIMB-GIRDLE, AUTOSOMAL RECESSIVE 10. Identifiers: Orphanet 140922, MedGen C1837342, MONDO:0012127, OMIM 608807.
Dilated cardiomyopathy 1G (CMD1G). Identifiers: Orphanet 154, MedGen C1858763, MONDO:0011400, OMIM 604145.

Submission:

Labcorp Genetics (formerly Invitae), Labcorp
Classification: Likely pathogenic for Dilated cardiomyopathy 1G; Autosomal recessive limb-girdle muscular dystrophy type 2J. Last evaluated: 2025-10-29. Review status: criteria provided, single submitter. Criteria: Invitae Variant Classification Sherloc (09022015). Collection method: clinical testing. Allele origin: germline.
Comment: This sequence change creates a premature translational stop signal (p.Phe33137Alafs*28) in the TTN gene. While this is not anticipated to result in nonsense mediated decay, it is expected to create a truncated TTN protein. This variant is not present in population databases (gnomAD no frequency). This variant has not been reported in the literature in individuals affected with TTN-related conditions. This variant is located in the A band of TTN (PMID: 25589632). Truncating variants in this region are significantly overrepresented in patients affected with dilated cardiomyopathy (PMID: 25589632). Truncating variants in this region have also been reported in individuals affected with autosomal recessive centronuclear myopathy (PMID: 23975875). In summary, the currently available evidence indicates that the variant is pathogenic, but additional data are needed to prove that conclusively. Therefore, this variant has been classified as Likely Pathogenic.

Literature cited by the submitters: PubMed 25589632; PubMed 23975875.